The following is an entry in ClinVar:

NM_138295.5(PKD1L1):c.2908A>C (p.Asn970His)

Gene: PKD1L1 (polycystin 1 like 1, transient receptor potential channel interacting; minus strand). Cytogenetic location: 7p12.3.
Variant type: single nucleotide variant.
Coding change: c.2908A>C on transcript NM_138295.5 (MANE Select); coding-DNA position 2908, A replaced by C.
Protein change: p.Asn970His; replaces asparagine 970 with histidine.
Molecular consequence: missense variant.
Genome position (GRCh38, 1-based): chr7:47,885,983, T>G on the plus strand (A>C on the coding strand, the complement: PKD1L1 is on the minus strand). VCF-style: chr7-47885983-T-G. GRCh37 (hg19) VCF-style: chr7-47925581-T-G.
Other names: short protein forms N970H.
Identifiers: ClinVar variation 3046346 (VCV003046346.3), dbSNP rs143538574, ClinGen allele CA4253590.

ClinVar aggregate classification (germline): Uncertain significance. Review status: criteria provided, single submitter (1 of 4 stars). 2 submissions from 2 submitters: Uncertain significance (1). 1 of the submissions does not count toward it. Last evaluated 2024-08-05.

Conditions:
Inborn genetic diseases. Identifiers: MedGen C0950123, MeSH D030342.
PKD1L1-related disorder. Also called: PKD1L1-related condition.

Allele frequency attached by ClinVar (database versions not stated): gnomAD exomes 0.00009; ExAC 0.00012; ESP Exome Variant Server 0.00046; gnomAD 0.00050; 1000 Genomes Project 30x 0.00062; TOPMed 0.00072; 1000 Genomes Project 0.00080.
gnomAD v4.1: 215 of 1,614,132 alleles (0.013%); highest among the groups gnomAD compares: African/African-American, 0.17%; 1 homozygote.

Submissions (2):

Ambry Genetics
Classification: Uncertain significance for Inborn genetic diseases. Last evaluated: 2024-08-05. Review status: criteria provided, single submitter. Criteria: Ambry Variant Classification Scheme 2023. Collection method: clinical testing. Allele origin: germline.

PreventionGenetics, part of Exact Sciences
Classification: Likely benign for PKD1L1-related condition. Last evaluated: 2022-02-04. Review status: no assertion criteria provided. Collection method: clinical testing. Allele origin: germline. Not counted in ClinVar's aggregate classification.
Comment: This variant is classified as likely benign based on ACMG/AMP sequence variant interpretation guidelines (Richards et al. 2015 PMID: 25741868, with internal and published modifications).